The following is an entry in ClinVar:

ClinVar aggregate classification (germline): Likely benign. Review status: criteria provided, multiple submitters, no conflicts (2 of 4 stars). 2 submissions from 2 submitters: Likely benign (2). Last evaluated 2025-11-13.

Conditions:
Charcot-Marie-Tooth disease type 2R. Also called: CHARCOT-MARIE-TOOTH DISEASE, AXONAL, AUTOSOMAL RECESSIVE, TYPE 2R; CHARCOT-MARIE-TOOTH NEUROPATHY, TYPE 2R; Charcot-Marie-Tooth disease, axonal, type 2R. Identifiers: Orphanet 397968, MedGen C3809655, MONDO:0014208, OMIM 615490.

Allele frequency attached by ClinVar (database versions not stated): gnomAD exomes below 0.00001 and 0.00002; TOPMed 0.00001; ESP Exome Variant Server 0.00008.

Submissions (2):

Mayo Clinic Laboratories, Mayo Clinic
Classification: Likely benign. Last evaluated: 2025-11-13. Review status: criteria provided, single submitter. Criteria: ACMG Guidelines, 2015. Collection method: clinical testing. Allele origin: germline. Observed: 1 variant allele.
Comment: BP4, BP7

Labcorp Genetics (formerly Invitae), Labcorp
Classification: Likely benign for Charcot-Marie-Tooth disease type 2R. Last evaluated: 2023-06-30. Review status: criteria provided, single submitter. Criteria: Invitae Variant Classification Sherloc (09022015). Collection method: clinical testing. Allele origin: germline.

NM_015271.5(TRIM2):c.1374A>G (p.Thr458=)

Gene: TRIM2 (tripartite motif containing 2; plus strand). Cytogenetic location: 4q31.3.
Variant type: single nucleotide variant.
Coding change: c.1374A>G on transcript NM_015271.5 (MANE Select); coding-DNA position 1374, A replaced by G.
Protein change: p.Thr458=; no amino-acid change (threonine 458 retained).
Molecular consequence: synonymous variant.
Genome position (GRCh38, 1-based): chr4:153,295,900, A>G. VCF-style: chr4-153295900-A-G. GRCh37 (hg19) VCF-style: chr4-154217052-A-G.
Other names: p.Thr431=; c.1293A>G, p.Thr431= (NM_001130067.2, NM_001351056.2, NM_001375512.1 and 5 more transcripts); c.1347A>G, p.Thr449= (NM_001351054.2); c.1344A>G, p.Thr448= (NM_001351055.2); c.918A>G, p.Thr306= (NM_001351057.2); c.1467A>G, p.Thr489= (NM_001375488.1); c.1464A>G, p.Thr488= (NM_001375489.1); c.1317A>G, p.Thr439= (NM_001375490.1); and 4 more.
Identifiers: ClinVar variation 1119104 (VCV001119104.10), dbSNP rs144496251, ClinGen allele CA107916254.